The following is an entry in ClinVar:

NM_002691.4(POLD1):c.1242+2T>C

Gene: POLD1 (DNA polymerase delta 1, catalytic subunit; plus strand). Cytogenetic location: 19q13.33.
Variant type: single nucleotide variant.
Coding change: c.1242+2T>C on transcript NM_002691.4 (MANE Select); the canonical splice donor site of the intron after coding-DNA position 1242, T replaced by C.
Molecular consequence: splice donor variant.
Genome position (GRCh38, 1-based): chr19:50,403,599, T>C. VCF-style: chr19-50403599-T-C. GRCh37 (hg19) VCF-style: chr19-50906856-T-C.
Other names: c.1242+2T>C (NM_001256849.1, NM_001438212.1, NM_001438213.1 and 3 more transcripts).
Identifiers: ClinVar variation 4669443 (VCV004669443.1).

ClinVar aggregate classification (germline): Uncertain significance (1 of 4 stars; one submission).

Conditions:
Hereditary cancer-predisposing syndrome. Also called: Neoplastic Syndromes, Hereditary; Tumor predisposition; Hereditary Cancer Syndrome; Hereditary neoplastic syndrome. Identifiers: Orphanet 140162, MedGen C0027672, MeSH D009386, MONDO:0015356.

gnomAD v4.1: 1 of 1,594,376 alleles (0.000063%); highest among the groups gnomAD compares: Non-Finnish European, 0.000086%; no homozygotes.

Submission:

Ambry Genetics
Classification: Uncertain significance for Hereditary cancer-predisposing syndrome. Last evaluated: 2025-12-13. Review status: criteria provided, single submitter. Criteria: Ambry Variant Classification Scheme 2023. Collection method: clinical testing. Allele origin: germline.
Comment: The c.1242+2T>C intronic variant results from a T to C substitution two nucleotides after coding exon 9 in the POLD1 gene. This nucleotide position is highly conserved in available vertebrate species. In silico splice site analysis predicts that this alteration will weaken the native splice donor site and will result in the creation or strengthening of a novel splice donor site. Alterations that disrupt the canonical splice site are expected to cause aberrant splicing, resulting in an abnormal protein or a transcript that is subject to nonsense-mediated mRNA decay. However, loss of function has not been established as a mechanism of disease. Based on the available evidence, the clinical significance of this alteration remains unclear.